The following is an entry in ClinVar:

NM_003737.4(DCHS1):c.4609A>G (p.Thr1537Ala)

Gene: DCHS1 (dachsous cadherin-related 1; minus strand). Cytogenetic location: 11p15.4.
Variant type: single nucleotide variant.
Coding change: c.4609A>G on transcript NM_003737.4 (MANE Select); coding-DNA position 4609, A replaced by G.
Protein change: p.Thr1537Ala; replaces threonine 1537 with alanine.
Molecular consequence: missense variant.
Genome position (GRCh38, 1-based): chr11:6,630,185, T>C on the plus strand (A>G on the coding strand, the complement: DCHS1 is on the minus strand). VCF-style: chr11-6630185-T-C. GRCh37 (hg19) VCF-style: chr11-6651416-T-C.
Other names: short protein forms T1537A.
Identifiers: ClinVar variation 4807830 (VCV004807830.1).

ClinVar aggregate classification (germline): Uncertain significance (1 of 4 stars; one submission).

Submission:

Labcorp Genetics (formerly Invitae), Labcorp
Classification: Uncertain significance. Last evaluated: 2025-10-09. Review status: criteria provided, single submitter. Criteria: Invitae Variant Classification Sherloc (09022015). Collection method: clinical testing. Allele origin: germline.
Comment: This sequence change replaces threonine, which is neutral and polar, with alanine, which is neutral and non-polar, at codon 1537 of the DCHS1 protein (p.Thr1537Ala). This variant is not present in population databases (gnomAD no frequency). This variant has not been reported in the literature in individuals affected with DCHS1-related conditions. Invitae Evidence Modeling of protein sequence and biophysical properties (such as structural, functional, and spatial information, amino acid conservation, physicochemical variation, residue mobility, and thermodynamic stability) indicates that this missense variant is not expected to disrupt DCHS1 protein function with a negative predictive value of 80%. In summary, the available evidence is currently insufficient to determine the role of this variant in disease. Therefore, it has been classified as a Variant of Uncertain Significance.